The following is an entry in ClinVar:

NM_000246.4(CIITA):c.724C>A (p.Gln242Lys)

Gene: CIITA (class II major histocompatibility complex transactivator; plus strand). Cytogenetic location: 16p13.13.
Variant type: single nucleotide variant.
Coding change: c.724C>A on transcript NM_000246.4 (MANE Select); coding-DNA position 724, C replaced by A.
Protein change: p.Gln242Lys; replaces glutamine 242 with lysine.
Molecular consequence: missense variant. On other transcripts: non-coding transcript variant (1).
Genome position (GRCh38, 1-based): chr16:10,902,753, C>A. VCF-style: chr16-10902753-C-A. GRCh37 (hg19) VCF-style: chr16-10996610-C-A.
Other names: c.727C>A, p.Gln243Lys (NM_001286402.1, NM_001379332.1); c.577C>A, p.Gln193Lys (NM_001286403.2, NM_001379331.1); c.580C>A, p.Gln194Lys (NM_001379330.1); c.724C>A, p.Gln242Lys (NM_001379333.1); c.655C>A, p.Gln219Lys (NM_001379334.1); short protein forms Q194K, Q219K, Q193K, Q243K, Q242K.
Identifiers: ClinVar variation 2183744 (VCV002183744.2), dbSNP rs745359262, ClinGen allele CA7899876.
Genomic context (GRCh38, chr16:10,902,753, plus strand): 5'-CTCCCTGAGGGACCCATCCAGTTTGTCCCCACCATCTCCACTCTGCCCCATGGGCTCTGG[C>A]AAATCTCTGAGGCTGGAACAGGGGTCTCCAGTATATTCATCTACCATGGTGAGTGCGGGG-3'
Protein context (NP_000237.2, residues 232-252): TISTLPHGLW[Gln242Lys]ISEAGTGVSS

ClinVar aggregate classification (germline): Uncertain significance (1 of 4 stars; one submission).

Conditions:
MHC class II deficiency. Also called: Bare lymphocyte syndrome 2; BLS, TYPE II. Identifiers: Orphanet 572, MedGen C5447452, MONDO:0008855.

Allele frequency attached by ClinVar (database versions not stated): ExAC 0.00001; gnomAD exomes 0.00001; TOPMed 0.00001.
gnomAD v4.1: 12 of 1,614,070 alleles (0.00074%); highest among the groups gnomAD compares: Admixed American, 0.0033%; no homozygotes.

Submission:

Labcorp Genetics (formerly Invitae), Labcorp
Classification: Uncertain significance for MHC class II deficiency. Last evaluated: 2023-12-11. Review status: criteria provided, single submitter. Criteria: Invitae Variant Classification Sherloc (09022015). Collection method: clinical testing. Allele origin: germline.
Comment: This sequence change replaces glutamine, which is neutral and polar, with lysine, which is basic and polar, at codon 242 of the CIITA protein (p.Gln242Lys). This variant is present in population databases (rs745359262, gnomAD 0.006%). This variant has not been reported in the literature in individuals affected with CIITA-related conditions. ClinVar contains an entry for this variant (Variation ID: 2183744). An algorithm developed to predict the effect of missense changes on protein structure and function (PolyPhen-2) suggests that this variant¬†is likely to be tolerated. In summary, the available evidence is currently insufficient to determine the role of this variant in disease. Therefore, it has been classified as a Variant of Uncertain Significance.